The following is an entry in ClinVar:

ClinVar aggregate classification (germline): Conflicting classifications of pathogenicity. Review status: criteria provided, conflicting classifications (1 of 4 stars). 3 submissions from 3 submitters: Uncertain significance (2); Likely benign (1). Last evaluated 2025-10-05.

Conditions:
CEDNIK syndrome. Also called: Cerebral dysgenesis, neuropathy, ichthyosis, and palmoplantar keratoderma; CEREBRAL DYSGENESIS, NEUROPATHY, ICHTHYOSIS, AND PALMOPLANTAR KERATODERMA SYNDROME. Identifiers: Orphanet 66631, MedGen C1836033, MONDO:0012290, OMIM 609528.

Allele frequency attached by ClinVar (database versions not stated): gnomAD exomes 0.00003 and 0.00006; gnomAD 0.00019; 1000 Genomes Project 0.00060; 1000 Genomes Project 30x 0.00062; TOPMed 0.00020; ESP Exome Variant Server 0.00038; ExAC 0.00007.
gnomAD v4.1: 75 of 1,613,428 alleles (0.0046%); highest among the groups gnomAD compares: African/African-American, 0.091%; no homozygotes.

Submissions (3):

Mayo Clinic Laboratories, Mayo Clinic
Classification: Likely benign. Last evaluated: 2025-10-05. Review status: criteria provided, single submitter. Criteria: ACMG Guidelines, 2015. Collection method: clinical testing. Allele origin: germline. Observed: 1 variant allele.
Comment: BP4, BP7, PM2_supporting

Genetic Services Laboratory, University of Chicago
Classification: Uncertain significance. Last evaluated: 2020-10-19. Review status: criteria provided, single submitter. Criteria: ACMG Guidelines, 2015. Collection method: clinical testing. Allele origin: germline. Affected: no.

Illumina Laboratory Services, Illumina
Classification: Uncertain significance for CEDNIK syndrome. Last evaluated: 2018-01-12. Review status: criteria provided, single submitter. Criteria: ICSL Variant Classification Criteria 13 December 2019. Collection method: clinical testing. Allele origin: germline.

NM_004782.4(SNAP29):c.*6G>A

Gene: SNAP29 (synaptosome associated protein 29; plus strand). Cytogenetic location: 22q11.21.
Variant type: single nucleotide variant.
Coding change: c.*6G>A on transcript NM_004782.4 (MANE Select); 6 bases downstream of the stop codon, G replaced by A.
Molecular consequence: 3 prime UTR variant.
Genome position (GRCh38, 1-based): chr22:20,887,842, G>A. VCF-style: chr22-20887842-G-A. GRCh37 (hg19) VCF-style: chr22-21242130-G-A.
Identifiers: ClinVar variation 901296 (VCV000901296.8), dbSNP rs370326257, ClinGen allele CA10117237.